The following is an entry in ClinVar:

ClinVar aggregate classification (germline): Conflicting classifications of pathogenicity. Review status: criteria provided, conflicting classifications (1 of 4 stars). 3 submissions from 3 submitters: Uncertain significance (1); Likely benign (2). Last evaluated 2025-12-08.

Conditions:
Generalized epilepsy-paroxysmal dyskinesia syndrome (PNKD3). Also called: Generalized epilepsy and paroxysmal dyskinesia; Paroxysmal nonkinesigenic dyskinesia, 3, with or without generalized epilepsy. Identifiers: Orphanet 79137, MedGen C5574945, MONDO:0012276, OMIM 609446.

Allele frequency attached by ClinVar (database versions not stated): gnomAD exomes 0.00002 and 0.00004; TOPMed 0.00003; gnomAD 0.00004; ExAC 0.00002.
gnomAD v4.1: 69 of 1,614,036 alleles (0.0043%); highest among the groups gnomAD compares: Non-Finnish European, 0.0048%; no homozygotes.

Submissions (3):

Labcorp Genetics (formerly Invitae), Labcorp
Classification: Likely benign for Generalized epilepsy-paroxysmal dyskinesia syndrome. Last evaluated: 2025-12-08. Review status: criteria provided, single submitter. Criteria: Invitae Variant Classification Sherloc (09022015). Collection method: clinical testing. Allele origin: germline.

GeneDx
Classification: Uncertain significance. Last evaluated: 2025-04-27. Review status: criteria provided, single submitter. Criteria: GeneDx Variant Classification Process June 2021. Collection method: clinical testing. Allele origin: germline. Affected: yes.
Comment: In silico analysis indicates that this variant does not alter splicing; Has not been previously published as pathogenic or benign to our knowledge

Blueprint Genetics
Classification: Likely benign. Last evaluated: 2024-09-20. Review status: criteria provided, single submitter. Criteria: ACMG Guidelines, 2015. Collection method: clinical testing. Allele origin: germline.

NM_001161352.2(KCNMA1):c.3471C>T (p.Ile1157=)

Gene: KCNMA1 (potassium calcium-activated channel subfamily M alpha 1; minus strand). Cytogenetic location: 10q22.3.
Variant type: single nucleotide variant.
Coding change: c.3471C>T on transcript NM_001161352.2 (MANE Select); coding-DNA position 3471, C replaced by T.
Protein change: p.Ile1157=; no amino-acid change (isoleucine 1157 retained).
Molecular consequence: synonymous variant.
Genome position (GRCh38, 1-based): chr10:76,887,506, G>A on the plus strand (C>T on the coding strand, the complement: KCNMA1 is on the minus strand). VCF-style: chr10-76887506-G-A. GRCh37 (hg19) VCF-style: chr10-78647264-G-A.
Other names: c.3309C>T, p.Ile1103= (NM_001014797.3); c.3420C>T, p.Ile1140= (NM_001161353.2); c.3147C>T, p.Ile1049= (NM_001271518.2); c.3387C>T, p.Ile1129= (NM_001271519.2); c.3306C>T, p.Ile1102= (NM_001322829.2, NM_001322836.2); c.3399C>T, p.Ile1133= (NM_001322830.2); c.3297C>T, p.Ile1099= (NM_001322832.2, NM_002247.4); c.3390C>T, p.Ile1130= (NM_001322835.2, NM_001322837.2); and 1 more.
Identifiers: ClinVar variation 1142924 (VCV001142924.16), dbSNP rs200321180, ClinGen allele CA5567832.